The following is an entry in ClinVar:

NM_002180.3(IGHMBP2):c.1225_1232del (p.Val409fs)

Gene: IGHMBP2 (immunoglobulin mu DNA binding protein 2; plus strand). Cytogenetic location: 11q13.3.
Variant type: Deletion.
Coding change: c.1225_1232del on transcript NM_002180.3 (MANE Select); coding-DNA positions 1225 to 1232, 8 bases deleted (GTCTCTCA; older notation c.1225_1232delGTCTCTCA).
Protein change: p.Val409fs; shifts the reading frame from valine 409.
Molecular consequence: frameshift variant.
Genome position (GRCh38, 1-based): chr11:68,929,347-68,929,354, GTCTCTCA deleted; deleting any 8 consecutive bases within chr11:68,929,345-68,929,354 gives the same sequence; the c. name uses the placement nearest the transcript's 3' end. VCF-style (leftmost placement, unchanged base first): chr11-68929344-ACAGTCTCT-A. GRCh37 (hg19) VCF-style: chr11-68696812-ACAGTCTCT-A.
Other names: short protein forms V409fs.
Identifiers: ClinVar variation 940332 (VCV000940332.8), dbSNP rs780692442, ClinGen allele CA6153546.
Genomic context (GRCh38, chr11:68,929,344, plus strand): 5'-CCCCTGCTGAAGGCCAGAAAGTGCATCCTGGCGGGCGATCACAAGCAGCTGCCCCCCACC[ACAGTCTCT>A]CACAAGTAAGACCCCTTTGCCTCACATGCCCTTCTCTGCCCCCGCCCTCCTGCGGTCCTT-3'

ClinVar aggregate classification (germline): Pathogenic (1 of 4 stars; one submission).

Conditions:
Autosomal recessive distal spinal muscular atrophy 1. Also called: SEVERE INFANTILE AXONAL NEUROPATHY WITH RESPIRATORY FAILURE; SPINAL MUSCULAR ATROPHY, DIAPHRAGMATIC; Spinal muscular atrophy with respiratory distress 1; HMN VI; NEURONOPATHY, SEVERE INFANTILE AXONAL, WITH RESPIRATORY FAILURE; NEURONOPATHY, DISTAL HEREDITARY MOTOR, HARDING TYPE VI. Identifiers: Orphanet 98920, MedGen C1858517, MONDO:0011436, OMIM 604320.
Charcot-Marie-Tooth disease axonal type 2S. Also called: CHARCOT-MARIE-TOOTH DISEASE, AXONAL, AUTOSOMAL RECESSIVE, TYPE 2S; CHARCOT-MARIE-TOOTH NEUROPATHY, TYPE 2S. Identifiers: Orphanet 443073, MedGen C4015349, MONDO:0014511, OMIM 616155.

Submission:

Labcorp Genetics (formerly Invitae), Labcorp
Classification: Pathogenic for Autosomal recessive distal spinal muscular atrophy 1; Charcot-Marie-Tooth disease axonal type 2S. Last evaluated: 2019-06-17. Review status: criteria provided, single submitter. Criteria: Invitae Variant Classification Sherloc (09022015). Collection method: clinical testing. Allele origin: germline.
Comment: For these reasons, this variant has been classified as Pathogenic. Loss-of-function variants in IGHMBP2 are known to be pathogenic (PMID: 14681881, 25439726, 25568292). This variant has not been reported in the literature in individuals with IGHMBP2-related conditions. The frequency data for this variant in the population databases is considered unreliable, as metrics indicate poor data quality at this position in the ExAC database. This sequence change creates a premature translational stop signal (p.Val409Glnfs*17) in the IGHMBP2 gene. It is expected to result in an absent or disrupted protein product.

Literature cited by the submitters: PubMed 14681881; PubMed 25439726; PubMed 25568292.